The following is an entry in ClinVar:

NM_022489.4(INF2):c.3694+16G>A

Gene: INF2 (inverted formin 2; plus strand). Cytogenetic location: 14q32.33.
Variant type: single nucleotide variant.
Coding change: c.3694+16G>A on transcript NM_022489.4 (MANE Select); 16 bases into the intron after coding-DNA position 3694, G replaced by A.
Molecular consequence: intron variant.
Genome position (GRCh38, 1-based): chr14:104,714,872, G>A. VCF-style: chr14-104714872-G-A. GRCh37 (hg19) VCF-style: chr14-105181209-G-A.
Other names: c.3694+16G>A (NM_001031714.4).
Identifiers: ClinVar variation 507417 (VCV000507417.7), dbSNP rs556924432, ClinGen allele CA7373350.

ClinVar aggregate classification (germline): Benign/Likely benign. Review status: criteria provided, multiple submitters, no conflicts (2 of 4 stars). 3 submissions from 3 submitters: Benign (1); Likely benign (2). Last evaluated 2024-04-10.

Conditions:
Focal segmental glomerulosclerosis 5 (FSGS5). Identifiers: Orphanet 656, MedGen C2750475, MONDO:0013191, OMIM 613237.
Charcot-Marie-Tooth disease dominant intermediate E. Also called: CHARCOT-MARIE-TOOTH NEUROPATHY WITH FOCAL SEGMENTAL GLOMERULONEPHRITIS. Identifiers: Orphanet 93114, MedGen C4302667, MONDO:0013758, OMIM 614455.

Allele frequency attached by ClinVar (database versions not stated): TOPMed 0.00003; ExAC 0.00004; gnomAD 0.00004 and 0.00007; gnomAD exomes 0.00008 and 0.00009; 1000 Genomes Project 0.00020; 1000 Genomes Project 30x 0.00031.
gnomAD v4.1: 125 of 1,530,634 alleles (0.0082%); highest among the groups gnomAD compares: East Asian, 0.29%; no homozygotes.

Submissions (3):

Labcorp Genetics (formerly Invitae), Labcorp
Classification: Benign for Charcot-Marie-Tooth disease dominant intermediate E; Focal segmental glomerulosclerosis 5. Last evaluated: 2024-04-10. Review status: criteria provided, single submitter. Criteria: Invitae Variant Classification Sherloc (09022015). Collection method: clinical testing. Allele origin: germline.

Blueprint Genetics
Classification: Likely benign. Last evaluated: 2023-07-14. Review status: criteria provided, single submitter. Criteria: ACMG Guidelines, 2015. Collection method: clinical testing. Allele origin: germline.

GeneDx
Classification: Likely benign. Last evaluated: 2017-02-15. Review status: criteria provided, single submitter. Criteria: GeneDx Variant Classification (06012015). Collection method: clinical testing. Allele origin: germline. Affected: yes.
Comment: This variant is considered likely benign or benign based on one or more of the following criteria: it is a conservative change, it occurs at a poorly conserved position in the protein, it is predicted to be benign by multiple in silico algorithms, and/or has population frequency not consistent with disease.